The following is an entry in ClinVar:

ClinVar aggregate classification (germline): Uncertain significance (1 of 4 stars; one submission).

Conditions:
KNL1-related disorder. Also called: KNL1-related condition.

gnomAD v4.1: 5 of 1,613,482 alleles (0.00031%); highest among the groups gnomAD compares: South Asian, 0.0033%; no homozygotes.

Submission:

PreventionGenetics, part of Exact Sciences
Classification: Uncertain significance for KNL1-related condition. Last evaluated: 2025-06-23. Review status: criteria provided, single submitter. Criteria: ACMG Guidelines, 2015. Collection method: clinical testing. Allele origin: germline.
Comment: The KNL1 c.4546C>T variant is predicted to result in the amino acid substitution p.Pro1516Ser. To our knowledge, this variant has not been reported in the literature. This variant is reported in 0.0033% of alleles in individuals of South Asian descent in gnomAD. At this time, the clinical significance of this variant is uncertain due to the absence of conclusive functional and genetic evidence.

NM_144508.5(KNL1):c.4468C>T (p.Pro1490Ser)

Gene: KNL1 (kinetochore scaffold 1; plus strand). Cytogenetic location: 15q15.1.
Variant type: single nucleotide variant.
Coding change: c.4468C>T on transcript NM_144508.5 (MANE Select); coding-DNA position 4468, C replaced by T.
Protein change: p.Pro1490Ser; replaces proline 1490 with serine.
Molecular consequence: missense variant.
Genome position (GRCh38, 1-based): chr15:40,624,732, C>T. VCF-style: chr15-40624732-C-T. GRCh37 (hg19) VCF-style: chr15-40916930-C-T.
Other names: c.4546C>T, p.Pro1516Ser (NM_170589.5); short protein forms P1490S, P1516S.
Identifiers: ClinVar variation 4997684 (VCV004997684.1).